The following is an entry in ClinVar:

NM_001854.4(COL11A1):c.5164G>A (p.Asp1722Asn)

Genes: COL11A1 (collagen type XI alpha 1 chain; minus strand), LOC126805814 (P300/CBP strongly-dependent group 1 enhancer GRCh37_chr1:103344928-103346127; plus strand). Cytogenetic location: 1p21.1.
Variant type: single nucleotide variant.
Coding change: c.5164G>A on transcript NM_001854.4 (MANE Select); coding-DNA position 5164, G replaced by A.
Protein change: p.Asp1722Asn; replaces aspartic acid 1722 with asparagine.
Molecular consequence: missense variant. On other transcripts: non-coding transcript variant (1).
Genome position (GRCh38, 1-based): chr1:102,879,793, C>T on the plus strand (G>A on the coding strand, the complement: COL11A1 is on the minus strand). VCF-style: chr1-102879793-C-T. GRCh37 (hg19) VCF-style: chr1-103345349-C-T.
Other names: c.5047G>A, p.Asp1683Asn (NM_001190709.2); c.5200G>A, p.Asp1734Asn (NM_080629.3); c.4816G>A, p.Asp1606Asn (NM_080630.4); c.5164G>A (NM_001854.3); short protein forms D1722N, D1606N, D1683N, D1734N.
Identifiers: ClinVar variation 1466079 (VCV001466079.7), dbSNP rs1266404176, ClinGen allele CA341210967.

ClinVar aggregate classification (germline): Uncertain significance. Review status: criteria provided, multiple submitters, no conflicts (2 of 4 stars). 2 submissions from 2 submitters: Uncertain significance (2). Last evaluated 2025-05-16.

Allele frequency attached by ClinVar (database versions not stated): TOPMed below 0.00001; gnomAD 0.00001.
gnomAD v4.1: 1 of 1,613,862 alleles (0.000062%); highest among the groups gnomAD compares: Non-Finnish European, 0.000085%; no homozygotes.

Submissions (2):

GeneDx
Classification: Uncertain significance. Last evaluated: 2025-05-16. Review status: criteria provided, single submitter. Criteria: GeneDx Variant Classification Process June 2021. Collection method: clinical testing. Allele origin: germline. Affected: yes.
Comment: Not observed at significant frequency in large population cohorts (gnomAD); In silico analysis supports that this missense variant has a deleterious effect on protein structure/function; Has not been previously published as pathogenic or benign to our knowledge; This variant is associated with the following publications: (PMID: 25240749)

Labcorp Genetics (formerly Invitae), Labcorp
Classification: Uncertain significance. Last evaluated: 2022-07-19. Review status: criteria provided, single submitter. Criteria: Invitae Variant Classification Sherloc (09022015). Collection method: clinical testing. Allele origin: germline.
Comment: In summary, the available evidence is currently insufficient to determine the role of this variant in disease. Therefore, it has been classified as a Variant of Uncertain Significance. Advanced modeling of protein sequence and biophysical properties (such as structural, functional, and spatial information, amino acid conservation, physicochemical variation, residue mobility, and thermodynamic stability) performed at Invitae indicates that this missense variant is not expected to disrupt COL11A1 protein function. ClinVar contains an entry for this variant (Variation ID: 1466079). This variant has not been reported in the literature in individuals affected with COL11A1-related conditions. This variant is not present in population databases (gnomAD no frequency). This sequence change replaces aspartic acid, which is acidic and polar, with asparagine, which is neutral and polar, at codon 1722 of the COL11A1 protein (p.Asp1722Asn).